The following is an entry in ClinVar:

ClinVar aggregate classification (germline): Likely pathogenic (1 of 4 stars; one submission).

gnomAD v4.1: 11 of 1,467,146 alleles (0.00075%); highest among the groups gnomAD compares: African/African-American, 0.0014%; no homozygotes.

Submission:

Labcorp Genetics (formerly Invitae), Labcorp
Classification: Likely pathogenic. Last evaluated: 2025-05-21. Review status: criteria provided, single submitter. Criteria: Invitae Variant Classification Sherloc (09022015). Collection method: clinical testing. Allele origin: germline.
Comment: This sequence change affects an acceptor splice site in intron 4 of the OTOG gene. It is expected to disrupt RNA splicing. Variants that disrupt the donor or acceptor splice site typically lead to a loss of protein function (PMID: 16199547), and loss-of-function variants in OTOG are known to be pathogenic (PMID: 23122587). This variant is present in population databases (no rsID available, gnomAD 0.01%). Disruption of this splice site has been observed in individual(s) with deafness (internal data). ClinVar contains an entry for this variant (Variation ID: 3719372). Algorithms developed to predict the effect of sequence changes on RNA splicing suggest that this variant may disrupt the consensus splice site. In summary, the currently available evidence indicates that the variant is pathogenic, but additional data are needed to prove that conclusively. Therefore, this variant has been classified as Likely Pathogenic.

Literature cited by the submitters: PubMed 16199547; PubMed 23122587.

NM_001292063.2(OTOG):c.386-2A>G

Gene: OTOG (otogelin; plus strand). Cytogenetic location: 11p15.1.
Variant type: single nucleotide variant.
Coding change: c.386-2A>G on transcript NM_001292063.2 (MANE Select); the canonical splice acceptor site of the intron before coding-DNA position 386, A replaced by G.
Molecular consequence: splice acceptor variant.
Genome position (GRCh38, 1-based): chr11:17,553,363, A>G. VCF-style: chr11-17553363-A-G. GRCh37 (hg19) VCF-style: chr11-17574910-A-G.
Other names: c.422-2A>G (NM_001277269.2).
Identifiers: ClinVar variation 3719372 (VCV003719372.2).
Genomic context (GRCh38, chr11:17,553,363, plus strand): 5'-ACCAGCCTCTGGCTTGGTGCCCACTGTAGCTACACAGAGAGGTTCTCTTTTCTCTCCCTC[A>G]GTGTACAATGCCGGCCCTGAGAGGGACAGCATTTGCCGGGCGTGGGGGCAGCACCACGTG-3'